The following is an entry in ClinVar:

NM_017617.5(NOTCH1):c.6769G>T (p.Ala2257Ser)

Gene: NOTCH1 (notch receptor 1; minus strand). Cytogenetic location: 9q34.3.
Variant type: single nucleotide variant.
Coding change: c.6769G>T on transcript NM_017617.5 (MANE Select); coding-DNA position 6769, G replaced by T.
Protein change: p.Ala2257Ser; replaces alanine 2257 with serine.
Molecular consequence: missense variant.
Genome position (GRCh38, 1-based): chr9:136,496,970, C>A on the plus strand (G>T on the coding strand, the complement: NOTCH1 is on the minus strand). VCF-style: chr9-136496970-C-A. GRCh37 (hg19) VCF-style: chr9-139391422-C-A.
Other names: short protein forms A2257S.
Identifiers: ClinVar variation 1755325 (VCV001755325.2), dbSNP rs587778572, ClinGen allele CA201633509.
Genomic context (GRCh38, chr9:136,496,970, plus strand): 5'-GCAGGTGGGAGAGACGAGGTGGGCCAGTCTCAAAGGCCAGCCGGCCGCCCCCACCCAGCG[C>A]CGCCATCTCGGGCTTGGCCGCCACGTTCAGGTGCCCGATGCCCAGGTGGGTGTCGGGCAT-3'
Protein context (NP_060087.3, residues 2247-2267): LNVAAKPEMA[Ala2257Ser]LGGGGRLAFE

ClinVar aggregate classification (germline): Uncertain significance (1 of 4 stars; one submission).

Conditions:
Familial thoracic aortic aneurysm and aortic dissection (TAAD). Also called: Thoracic aortic aneurysms and dissections. Identifiers: Orphanet 91387, MedGen C4707243, MONDO:0019625.

Allele frequency attached by ClinVar (database versions not stated): gnomAD 0.00001.
gnomAD v4.1: 4 of 1,610,734 alleles (0.00025%); highest among the groups gnomAD compares: Admixed American, 0.0033%; no homozygotes.

Submission:

Ambry Genetics
Classification: Uncertain significance for Familial thoracic aortic aneurysm and aortic dissection. Last evaluated: 2022-04-09. Review status: criteria provided, single submitter. Criteria: Ambry Variant Classification Scheme 2023. Collection method: clinical testing. Allele origin: germline.
Comment: The p.A2257S variant (also known as c.6769G>T), located in coding exon 34 of the NOTCH1 gene, results from a G to T substitution at nucleotide position 6769. The alanine at codon 2257 is replaced by serine, an amino acid with similar properties. This amino acid position is conserved. In addition, this alteration is predicted to be tolerated by in silico analysis. Since supporting evidence is limited at this time, the clinical significance of this alteration remains unclear.